The following is an entry in ClinVar:

NM_000362.5(TIMP3):c.322G>C (p.Val108Leu)

Genes: SYN3 (synapsin III; minus strand), TIMP3 (TIMP metallopeptidase inhibitor 3; plus strand). Cytogenetic location: 22q12.3.
Variant type: single nucleotide variant.
Coding change: c.322G>C on transcript NM_000362.5 (MANE Select); coding-DNA position 322, G replaced by C.
Protein change: p.Val108Leu; replaces valine 108 with leucine.
Molecular consequence: missense variant. On other transcripts: intron variant (7).
Genome position (GRCh38, 1-based): chr22:32,858,022, G>C. VCF-style: chr22-32858022-G-C. GRCh37 (hg19) VCF-style: chr22-33254009-G-C.
Other names: c.708+6893C>G (NM_001369909.1, NM_001135774.2, NM_001369910.1); c.711+6893C>G (NM_001369907.1, NM_003490.4, NM_001369908.1 and 1 more transcripts); short protein forms V108L.
Identifiers: ClinVar variation 956667 (VCV000956667.9), dbSNP rs779017473, ClinGen allele CA411539630.

ClinVar aggregate classification (germline): Uncertain significance (1 of 4 stars; one submission).

Allele frequency attached by ClinVar (database versions not stated): TOPMed 0.00002.
gnomAD v4.1: 2 of 1,614,152 alleles (0.00012%); highest among the groups gnomAD compares: Non-Finnish European, 0.00017%; no homozygotes.

Submission:

Labcorp Genetics (formerly Invitae), Labcorp
Classification: Uncertain significance. Last evaluated: 2024-04-05. Review status: criteria provided, single submitter. Criteria: Invitae Variant Classification Sherloc (09022015). Collection method: clinical testing. Allele origin: germline.
Comment: This sequence change replaces valine, which is neutral and non-polar, with leucine, which is neutral and non-polar, at codon 108 of the TIMP3 protein (p.Val108Leu). This variant is not present in population databases (gnomAD no frequency). This variant has not been reported in the literature in individuals affected with TIMP3-related conditions. ClinVar contains an entry for this variant (Variation ID: 956667). An algorithm developed to predict the effect of missense changes on protein structure and function (PolyPhen-2) suggests that this variant is likely to be tolerated. In summary, the available evidence is currently insufficient to determine the role of this variant in disease. Therefore, it has been classified as a Variant of Uncertain Significance.